The following is an entry in ClinVar:

ClinVar aggregate classification (germline): Uncertain significance. Review status: criteria provided, multiple submitters, no conflicts (2 of 4 stars). 2 submissions from 2 submitters: Uncertain significance (2). Last evaluated 2025-10-29.

Conditions:
Hyperekplexia 3 (HKPX3). Also called: HYPEREKPLEXIA 3, AUTOSOMAL RECESSIVE; HYPEREKPLEXIA 3, AUTOSOMAL DOMINANT. Identifiers: Orphanet 3197, MedGen C3553288, MONDO:0013827, OMIM 614618.
Inborn genetic diseases. Identifiers: MedGen C0950123, MeSH D030342.

Allele frequency attached by ClinVar (database versions not stated): gnomAD exomes below 0.00001; TOPMed 0.00001.
gnomAD v4.1: 5 of 1,613,948 alleles (0.00031%); highest among the groups gnomAD compares: East Asian, 0.0022%; no homozygotes.

Submissions (2):

Ambry Genetics
Classification: Uncertain significance for Inborn genetic diseases. Last evaluated: 2025-10-29. Review status: criteria provided, single submitter. Criteria: Ambry Variant Classification Scheme 2023. Collection method: clinical testing. Allele origin: germline.

Labcorp Genetics (formerly Invitae), Labcorp
Classification: Uncertain significance for Hyperekplexia 3. Last evaluated: 2024-02-24. Review status: criteria provided, single submitter. Criteria: Invitae Variant Classification Sherloc (09022015). Collection method: clinical testing. Allele origin: germline.
Comment: This sequence change replaces asparagine, which is neutral and polar, with serine, which is neutral and polar, at codon 492 of the SLC6A5 protein (p.Asn492Ser). This variant is present in population databases (no rsID available, gnomAD 0.0009%). This variant has not been reported in the literature in individuals affected with SLC6A5-related conditions. ClinVar contains an entry for this variant (Variation ID: 1423729). Advanced modeling of protein sequence and biophysical properties (such as structural, functional, and spatial information, amino acid conservation, physicochemical variation, residue mobility, and thermodynamic stability) performed at Invitae indicates that this missense variant is not expected to disrupt SLC6A5 protein function with a negative predictive value of 80%. In summary, the available evidence is currently insufficient to determine the role of this variant in disease. Therefore, it has been classified as a Variant of Uncertain Significance.

NM_004211.5(SLC6A5):c.1475A>G (p.Asn492Ser)

Gene: SLC6A5 (solute carrier family 6 member 5; plus strand). Cytogenetic location: 11p15.1.
Variant type: single nucleotide variant.
Coding change: c.1475A>G on transcript NM_004211.5 (MANE Select); coding-DNA position 1475, A replaced by G.
Protein change: p.Asn492Ser; replaces asparagine 492 with serine.
Molecular consequence: missense variant.
Genome position (GRCh38, 1-based): chr11:20,628,059, A>G. VCF-style: chr11-20628059-A-G. GRCh37 (hg19) VCF-style: chr11-20649605-A-G.
Other names: c.1475A>G (NM_004211.3); c.773A>G, p.Asn258Ser (NM_001318369.2); short protein forms N258S, N492S.
Identifiers: ClinVar variation 1423729 (VCV001423729.9), dbSNP rs1454998181, ClinGen allele CA379917329.
Genomic context (GRCh38, chr11:20,628,059, plus strand): 5'-CTCAGATTTTCTTCTCTTTATCTGCTGCATGGGGAGGCCTGATCACTCTCTCTTCTTACA[A>G]CAAATTCCACAACAACTGCTACAGGTATGTAGAGGTACTACAAGATCTGGGCATAGCTGG-3'
Protein context (NP_004202.4, residues 482-502): WGGLITLSSY[Asn492Ser]KFHNNCYRDT